The following is an entry in ClinVar:

ClinVar aggregate classification (germline): Uncertain significance (0 of 4 stars; one submission).

Allele frequency attached by ClinVar (database versions not stated): gnomAD exomes below 0.00001; gnomAD 0.00001; TOPMed 0.00002.
gnomAD v4.1: 5 of 1,613,414 alleles (0.00031%); highest among the groups gnomAD compares: Non-Finnish European, 0.00042%; no homozygotes.

Submission:

Department of Pathology and Laboratory Medicine, Sinai Health System
Classification: Uncertain significance. Review status: no assertion criteria provided. Collection method: clinical testing. Allele origin: unknown. Affected: yes. Study: The Canadian Open Genetics Repository (COGR).
Comment: The SPTA1 p.Tyr370His variant was not identified in the literature nor was it identified in ClinVar or LOVD 3.0. The variant was identified in dbSNP (ID: rs1261923403) but was not identified in the following control databases: the 1000 Genomes Project, the NHLBI GO Exome Sequencing Project, or the Genome Aggregation Database (March 6, 2019, v2.1.1). The p.Tyr370 residue is not conserved in mammals and computational analyses (PolyPhen-2, SIFT, AlignGVGD, BLOSUM, MutationTaster) provide inconsistent predictions regarding the impact to the protein; this information is not very predictive of pathogenicity. The variant occurs outside of the splicing consensus sequence and in silico or computational prediction software programs (SpliceSiteFinder, MaxEntScan, NNSPLICE, GeneSplicer) do not predict a difference in splicing. In summary, based on the above information the clinical significance of this variant cannot be determined with certainty at this time. This variant is classified as a variant of uncertain significance.

NM_003126.4(SPTA1):c.1108T>C (p.Tyr370His)

Gene: SPTA1 (spectrin alpha, erythrocytic 1; minus strand). Cytogenetic location: 1q23.1.
Variant type: single nucleotide variant.
Coding change: c.1108T>C on transcript NM_003126.4 (MANE Select); coding-DNA position 1108, T replaced by C.
Protein change: p.Tyr370His; replaces tyrosine 370 with histidine.
Molecular consequence: missense variant.
Genome position (GRCh38, 1-based): chr1:158,676,145, A>G on the plus strand (T>C on the coding strand, the complement: SPTA1 is on the minus strand). VCF-style: chr1-158676145-A-G. GRCh37 (hg19) VCF-style: chr1-158645935-A-G.
Other names: short protein forms Y370H.
Identifiers: ClinVar variation 1049609 (VCV001049609.1), dbSNP rs1261923403, ClinGen allele CA343017525.